The following is an entry in ClinVar:

ClinVar aggregate classification (germline): Benign/Likely benign. Review status: criteria provided, multiple submitters, no conflicts (2 of 4 stars). 12 submissions from 12 submitters: Benign (6); Likely benign (5). 1 of the submissions does not count toward it. Last evaluated 2026-06-01.

Conditions:
SMARCA2-related disorder. Also called: SMARCA2-related condition.
Inborn genetic diseases. Identifiers: MedGen C0950123, MeSH D030342.
Nicolaides-Baraitser syndrome (NCBRS). Also called: Intellectual disability-sparse hair-brachydactyly syndrome; SMARCA2-Related Nicolaides-Baraitser Syndrome. Identifiers: Orphanet 3051, MedGen C1303073, MONDO:0011053, OMIM 601358.

Allele frequency attached by ClinVar (database versions not stated): 1000 Genomes Project 0.00020; 1000 Genomes Project 30x 0.00031; ExAC 0.00077; gnomAD 0.00083; gnomAD exomes 0.00093; TOPMed 0.00119; ESP Exome Variant Server 0.00123.
gnomAD v4.1: 2,193 of 1,614,158 alleles (0.14%); highest among the groups gnomAD compares: Non-Finnish European, 0.16%; 2 homozygotes.

Submissions (12):

CeGaT Center for Human Genetics Tuebingen
Classification: Likely benign. Last evaluated: 2026-06-01. Review status: criteria provided, single submitter. Criteria: CeGaT Center For Human Genetics Tuebingen Variant Classification Criteria Version 2. Collection method: clinical testing. Allele origin: germline. Affected: yes. Observed: 6 variant alleles.
Comment: SMARCA2: PP2, BS1

Labcorp Genetics (formerly Invitae), Labcorp
Classification: Likely benign. Last evaluated: 2025-12-29. Review status: criteria provided, single submitter. Criteria: Invitae Variant Classification Sherloc (09022015). Collection method: clinical testing. Allele origin: germline.

Blueprint Genetics
Classification: Likely benign. Last evaluated: 2024-11-20. Review status: criteria provided, single submitter. Criteria: ACMG Guidelines, 2015. Collection method: clinical testing. Allele origin: germline.

Mayo Clinic Laboratories, Mayo Clinic
Classification: Benign. Last evaluated: 2024-08-12. Review status: criteria provided, single submitter. Criteria: ACMG Guidelines, 2015. Collection method: clinical testing. Allele origin: germline. Observed: 2 variant alleles.
Comment: BS1, BS2, BP4

Ambry Genetics
Classification: Benign for Inborn genetic diseases. Last evaluated: 2022-05-31. Review status: criteria provided, single submitter. Criteria: Ambry Variant Classification Scheme 2023. Collection method: clinical testing. Allele origin: germline.

GeneDx
Classification: Benign. Last evaluated: 2019-07-01. Review status: criteria provided, single submitter. Criteria: GeneDx Variant Classification Process June 2021. Collection method: clinical testing. Allele origin: germline. Affected: yes.

Mendelics
Classification: Likely benign for Nicolaides-Baraitser syndrome. Last evaluated: 2019-05-28. Review status: criteria provided, single submitter. Criteria: Mendelics Assertion Criteria 2017. Collection method: clinical testing. Allele origin: unknown.

Illumina Laboratory Services, Illumina
Classification: Benign for Nicolaides-Baraitser syndrome. Last evaluated: 2018-01-13. Review status: criteria provided, single submitter. Criteria: ICSL Variant Classification Criteria 13 December 2019. Collection method: clinical testing. Allele origin: germline.
Comment: This variant was observed in the ICSL laboratory as part of a predisposition screen in an ostensibly healthy population. It had not been previously curated by ICSL or reported in the Human Gene Mutation Database (HGMD: prior to June 1st, 2018), and was therefore a candidate for classification through an automated scoring system. Utilizing variant allele frequency, disease prevalence and penetrance estimates, and inheritance mode, an automated score was calculated to assess if this variant is too frequent to cause the disease. Based on the score and internal cut-off values, a variant classified as benign is not then subjected to further curation. The score for this variant resulted in a classification of benign for this disease.

Institute for Genomic Medicine (IGM) Clinical Laboratory, Nationwide Children's Hospital
Classification: Benign. Last evaluated: 2017-04-28. Review status: criteria provided, single submitter. Criteria: ACMG Guidelines, 2015. Collection method: clinical testing. Allele origin: germline.
Comment: BS1,BS2, BP6; This alteration has an allele frequency that is greater than expected for the associated disease, was seen in a healthy adult where full penetrance of the disorder is expected at an early age, and was reported as a benign/likely benign alteration by a reputable source (ClinVar or other correspondence from a clinical testing laboratory).

Genetic Services Laboratory, University of Chicago
Classification: Benign. Last evaluated: 2017-04-13. Review status: criteria provided, single submitter. Criteria: ACMG Guidelines, 2015. Collection method: clinical testing. Allele origin: germline. Affected: no.

Breakthrough Genomics
Classification: Likely benign. Review status: criteria provided, single submitter. Criteria: ACMG Guidelines, 2015. Collection method: not provided. Allele origin: germline. Inheritance: Autosomal dominant inheritance. Affected: yes.

PreventionGenetics, part of Exact Sciences
Classification: Benign for SMARCA2-related condition. Last evaluated: 2019-03-14. Review status: no assertion criteria provided. Collection method: clinical testing. Allele origin: germline. Not counted in ClinVar's aggregate classification.
Comment: This variant is classified as benign based on ACMG/AMP sequence variant interpretation guidelines (Richards et al. 2015 PMID: 25741868, with internal and published modifications).

NM_003070.5(SMARCA2):c.4717G>A (p.Asp1573Asn)

Gene: SMARCA2 (SWI/SNF related BAF chromatin remodeling complex subunit ATPase 2; plus strand). Cytogenetic location: 9p24.3.
Variant type: single nucleotide variant.
Coding change: c.4717G>A on transcript NM_003070.5 (MANE Select); coding-DNA position 4717, G replaced by A.
Protein change: p.Asp1573Asn; replaces aspartic acid 1573 with asparagine.
Molecular consequence: missense variant.
Genome position (GRCh38, 1-based): chr9:2,191,388, G>A. VCF-style: chr9-2191388-G-A. GRCh37 (hg19) VCF-style: chr9-2191388-G-A.
Other names: p.Asp1573Asn; c.4717G>A, p.Asp1573Asn (NM_001289396.2); c.4489G>A, p.Asp1497Asn (NM_001289397.2); c.691G>A, p.Asp231Asn (NM_001289398.2); c.775G>A, p.Asp259Asn (NM_001289399.2); c.781G>A, p.Asp261Asn (NM_001289400.2); c.4663G>A, p.Asp1555Asn (NM_139045.4); short protein forms D1573N, D1555N, D261N, D231N, D1497N, D259N.
Identifiers: ClinVar variation 366324 (VCV000366324.52), dbSNP rs61736899, ClinGen allele CA4964289.
Genomic context (GRCh38, chr9:2,191,388, plus strand): 5'-AAAGGCAAGAAAAGGCCAAATCGAGGAAAAGCCAAACCTGTAGTGAGCGATTTTGACAGC[G>A]ATGAGGAGCAGGATGAACGTGTAAGTGTAGCCGACTGGGACTGAAGGCGGAGACGCCCTC-3'
Protein context (NP_003061.3, residues 1563-1583): AKPVVSDFDS[Asp1573Asn]EEQDEREQSE